The following is an entry in ClinVar:

ClinVar aggregate classification (germline): Likely benign. Review status: criteria provided, multiple submitters, no conflicts (2 of 4 stars). 3 submissions from 3 submitters: Likely benign (3). Last evaluated 2024-12-17.

Conditions:
Hyperkalemic periodic paralysis. Also called: Gamstorp disease; Familial hyperkalemic periodic paralysis. Identifiers: Orphanet 682, MedGen C0238357, MONDO:0008224, OMIM 170500, HP:0007215.

Allele frequency attached by ClinVar (database versions not stated): gnomAD 0.00001; gnomAD exomes 0.00001 and 0.00003; TOPMed 0.00001; ExAC 0.00002.
gnomAD v4.1: 50 of 1,613,376 alleles (0.0031%); highest among the groups gnomAD compares: Non-Finnish European, 0.0042%; no homozygotes.

Submissions (3):

Labcorp Genetics (formerly Invitae), Labcorp
Classification: Likely benign for Hyperkalemic periodic paralysis. Last evaluated: 2024-12-17. Review status: criteria provided, single submitter. Criteria: Invitae Variant Classification Sherloc (09022015). Collection method: clinical testing. Allele origin: germline.

GeneDx
Classification: Likely benign. Last evaluated: 2018-03-23. Review status: criteria provided, single submitter. Criteria: GeneDx Variant Classification (06012015). Collection method: clinical testing. Allele origin: germline. Affected: yes.
Comment: This variant is considered likely benign or benign based on one or more of the following criteria: it is a conservative change, it occurs at a poorly conserved position in the protein, it is predicted to be benign by multiple in silico algorithms, and/or has population frequency not consistent with disease.

Athena Diagnostics
Classification: Likely benign. Last evaluated: 2017-03-13. Review status: criteria provided, single submitter. Criteria: Athena Diagnostics Criteria. Collection method: clinical testing. Allele origin: germline.

NM_000334.4(SCN4A):c.3963C>T (p.Asn1321=)

Genes: GH-LCR (growth hormone locus control region; plus strand), SCN4A (sodium voltage-gated channel alpha subunit 4; minus strand). Cytogenetic location: 17q23.3.
Variant type: single nucleotide variant.
Coding change: c.3963C>T on transcript NM_000334.4 (MANE Select); coding-DNA position 3963, C replaced by T.
Protein change: p.Asn1321=; no amino-acid change (asparagine 1321 retained).
Molecular consequence: synonymous variant.
Genome position (GRCh38, 1-based): chr17:63,943,800, G>A on the plus strand (C>T on the coding strand, the complement: SCN4A is on the minus strand). VCF-style: chr17-63943800-G-A. GRCh37 (hg19) VCF-style: chr17-62021160-G-A.
Identifiers: ClinVar variation 448278 (VCV000448278.13), dbSNP rs747602881, ClinGen allele CA8709098.